The following is an entry in ClinVar:

ClinVar aggregate classification (germline): Pathogenic. Review status: criteria provided, single submitter (1 of 4 stars). 3 submissions from 3 submitters: Pathogenic (1). 2 of the submissions do not count toward it. Last evaluated 2024-11-03.

Conditions:
Hearing loss, autosomal recessive. Also called: Deafness, autosomal recessive; Autosomal recessive nonsyndromic deafness; Nonsyndromic Hearing Loss, Recessive; Rare autosomal recessive non-syndromic sensorineural deafness type DFNB. Identifiers: Orphanet 90635, Orphanet 90636, MedGen C1846647, MONDO:0019588, OMIM 607197.
Pendred syndrome (PDS). Also called: THYROID DYSHORMONOGENESIS 2B; THYROID HORMONOGENESIS, GENETIC DEFECT IN, 2B; Pendred's syndrome; DEAFNESS WITH GOITER; GOITER-DEAFNESS SYNDROME; HYPOTHYROIDISM, CONGENITAL, DUE TO DYSHORMONOGENESIS, 2B. Identifiers: Orphanet 705, MedGen C0271829, MONDO:0010134, OMIM 274600.
Deafness. Identifiers: MedGen C0011053.

Submissions (3):

Myriad Genetics, Inc.
Classification: Pathogenic for Pendred syndrome. Last evaluated: 2024-11-03. Review status: criteria provided, single submitter. Criteria: Myriad Autosomal Dominant, Autosomal Recessive and X-Linked Classification Criteria (2023). Collection method: clinical testing. Allele origin: unknown.
Comment: NM_000441.1(SLC26A4):c.42delC(E15Sfs*51) is expected to be pathogenic in the context of Pendred syndrome. This variant is predicted to lead to an abnormal or absent protein product due to the creation of a premature termination codon in SLC26A4, a gene where loss-of-function variants are known to be pathogenic. Please note: this variant was assessed in the context of healthy population screening.

Center for Statistical Genetics, Columbia University
Classification: Pathogenic for Deafness. Last evaluated: 2018-09-10. Review status: no assertion criteria provided. Collection method: research. Allele origin: inherited. Affected: yes. Not counted in ClinVar's aggregate classification.
Comment: Autosomal recessive

University of Washington Center for Mendelian Genomics, University of Washington
Classification: Likely pathogenic for non-syndromic autosomal recessive hearing loss. Review status: no assertion criteria provided. Collection method: research. Allele origin: inherited. Affected: yes. Not counted in ClinVar's aggregate classification.

Literature cited by the submitters: PubMed 30303587 (cited by University of Washington Center for Mendelian Genomics, University of Washington).

NM_000441.2(SLC26A4):c.42del (p.Glu15fs)

Genes: SLC26A4 (solute carrier family 26 member 4; plus strand), SLC26A4-AS1 (SLC26A4 antisense RNA 1; minus strand). Cytogenetic location: 7q22.3.
Variant type: Deletion.
Coding change: c.42del on transcript NM_000441.2 (MANE Select); coding-DNA position 42, one base deleted (C; older notation c.42delC).
Protein change: p.Glu15fs; shifts the reading frame from glutamic acid 15.
Molecular consequence: frameshift variant. On other transcripts: non-coding transcript variant (1).
Genome position (GRCh38, 1-based): chr7:107,661,683, C deleted; the last of 4 consecutive C bases (chr7:107,661,680-107,661,683); deleting any one gives the same sequence. VCF-style (leftmost placement, unchanged base first): chr7-107661679-TC-T. GRCh37 (hg19) VCF-style: chr7-107302124-TC-T.
Other names: short protein forms E15fs.
Identifiers: ClinVar variation 560909 (VCV000560909.3), dbSNP rs1562817224, ClinGen allele CA658821331.
Genomic context (GRCh38, chr7:107,661,679, plus strand): 5'-CGCTGTCCTCTGGCTCGCAGGTCATGGCAGCGCCAGGCGGCAGGTCGGAGCCGCCGCAGC[TC>T]CCCGAGTACAGCTGCAGCTACATGGTGTCGCGGCCGGTCTACAGCGAGCTCGCTTTCCAG-3'